The following is an entry in ClinVar:

ClinVar aggregate classification (germline): Uncertain significance. Review status: criteria provided, multiple submitters, no conflicts (2 of 4 stars). 3 submissions from 3 submitters: Uncertain significance (3). Last evaluated 2024-02-01.

Conditions:
Hereditary nonpolyposis colorectal neoplasms. Identifiers: MedGen C0009405, MeSH D003123.
Hereditary cancer-predisposing syndrome. Also called: Hereditary neoplastic syndrome; Neoplastic Syndromes, Hereditary; Hereditary Cancer Syndrome; Tumor predisposition. Identifiers: Orphanet 140162, MedGen C0027672, MeSH D009386, MONDO:0015356.

Allele frequency attached by ClinVar (database versions not stated): TOPMed below 0.00001; gnomAD 0.00001.
gnomAD v4.1: 1 of 1,610,152 alleles (0.000062%); highest among the groups gnomAD compares: African/African-American, 0.0013%; no homozygotes.

Submissions (3):

Ambry Genetics
Classification: Uncertain significance for Hereditary cancer-predisposing syndrome. Last evaluated: 2024-02-01. Review status: criteria provided, single submitter. Criteria: Ambry Variant Classification Scheme 2023. Collection method: clinical testing. Allele origin: germline.
Comment: The p.C1032G variant (also known as c.3094T>G), located in coding exon 4 of the MSH6 gene, results from a T to G substitution at nucleotide position 3094. The cysteine at codon 1032 is replaced by glycine, an amino acid with highly dissimilar properties. This amino acid position is highly conserved in available vertebrate species. In addition, this alteration is predicted to be deleterious by in silico analysis. Based on the available evidence, the clinical significance of this alteration remains unclear.

GeneDx
Classification: Uncertain significance. Last evaluated: 2023-07-05. Review status: criteria provided, single submitter. Criteria: GeneDx Variant Classification Process June 2021. Collection method: clinical testing. Allele origin: germline. Affected: yes.
Comment: Not observed at significant frequency in large population cohorts (gnomAD); In silico analysis supports that this missense variant has a deleterious effect on protein structure/function; Has not been previously published as pathogenic or benign to our knowledge; This variant is associated with the following publications: (PMID: 17531815, 21120944)

Labcorp Genetics (formerly Invitae), Labcorp
Classification: Uncertain significance for Hereditary nonpolyposis colorectal neoplasms. Last evaluated: 2021-08-31. Review status: criteria provided, single submitter. Criteria: Invitae Variant Classification Sherloc (09022015). Collection method: clinical testing. Allele origin: germline.
Comment: This sequence change replaces cysteine with glycine at codon 1032 of the MSH6 protein (p.Cys1032Gly). The cysteine residue is moderately conserved and there is a large physicochemical difference between cysteine and glycine. This variant is not present in population databases (ExAC no frequency). This variant has not been reported in the literature in individuals affected with MSH6-related conditions. Algorithms developed to predict the effect of missense changes on protein structure and function are either unavailable or do not agree on the potential impact of this missense change (SIFT: "Tolerated"; PolyPhen-2: "Probably Damaging"; Align-GVGD: "Class C0"). In summary, the available evidence is currently insufficient to determine the role of this variant in disease. Therefore, it has been classified as a Variant of Uncertain Significance.

NM_000179.3(MSH6):c.3094T>G (p.Cys1032Gly)

Gene: MSH6 (mutS homolog 6; plus strand). Cytogenetic location: 2p16.3.
Variant type: single nucleotide variant.
Coding change: c.3094T>G on transcript NM_000179.3 (MANE Select); coding-DNA position 3094, T replaced by G.
Protein change: p.Cys1032Gly; replaces cysteine 1032 with glycine.
Molecular consequence: missense variant.
Genome position (GRCh38, 1-based): chr2:47,801,077, T>G. VCF-style: chr2-47801077-T-G. GRCh37 (hg19) VCF-style: chr2-48028216-T-G.
Other names: c.2704T>G, p.Cys902Gly (NM_001281492.2); c.2188T>G, p.Cys730Gly (NM_001281493.2, NM_001281494.2); short protein forms C1032G, C902G, C730G.
Identifiers: ClinVar variation 660282 (VCV000660282.9), dbSNP rs1572730085, ClinGen allele CA346756589.
Genomic context (GRCh38, chr2:47,801,077, plus strand): 5'-GAAAAGAAGTTGGCTAATCTCATAAATGCTGAAGAACGGAGGGATGTATCATTGAAGGAC[T>G]GCATGCGGCGACTGTTCTATAACTTTGATAAAAATTACAAGGACTGGCAGTCTGCTGTAG-3'
Protein context (NP_000170.1, residues 1022-1042): EERRDVSLKD[Cys1032Gly]MRRLFYNFDK